The following is an entry in ClinVar:

NM_000238.4(KCNH2):c.1910AGA[1] (p.Lys638del)

Gene: KCNH2 (potassium voltage-gated channel subfamily H member 2; minus strand). Cytogenetic location: 7q36.1.
Variant type: Microsatellite.
Coding change: c.1910AGA[1] on transcript NM_000238.4 (MANE Select); one copy of the 3-base unit AGA starting at c.1910; the reference has two copies in a row; one copy, 3 bases deleted; also written c.1913_1915del.
Protein change: p.Lys638del; deletes lysine 638.
Molecular consequence: inframe deletion. On other transcripts: frameshift variant (6).
Genome position (GRCh38, 1-based): chr7:150,951,478-150,951,480, TCT deleted on the plus strand (AGA on the coding strand, the reverse complement: KCNH2 is on the minus strand); deleting any 3 consecutive bases within chr7:150,951,478-150,951,483 gives the same sequence; the position shown is the placement nearest the transcript's 3' end. VCF-style (leftmost placement, unchanged base first): chr7-150951477-ATCT-A. GRCh37 (hg19) VCF-style: chr7-150648565-ATCT-A.
Other names: c.1913_1915delAGA (NM_000238.2, NM_000238.3); c.1913_1915del (NM_000238.4, NM_000238.2); c.890AGA[1], p.Lys298del (NM_001204798.2, NM_172057.3); c.1620_1622AGA[1], p.Glu541Aspfs (NM_001406753.1, NM_001406756.1); c.1731_1733AGA[1], p.Glu578Aspfs (NM_001406755.1); c.1608_1610AGA[1], p.Glu537Aspfs (NM_001406757.1); c.1908_1910AGA[1], p.Glu637Aspfs (NM_172056.3); short protein forms K298del, K638del.
Identifiers: ClinVar variation 200646 (VCV000200646.17), dbSNP rs794728442, ClinGen allele CA005984.

ClinVar aggregate classification (germline): Pathogenic/Likely pathogenic. Review status: criteria provided, multiple submitters, no conflicts (2 of 4 stars). 5 submissions from 5 submitters: Pathogenic (1); Likely pathogenic (4). Last evaluated 2026-02-06.

Conditions:
KCNH2-related disorder. Also called: KCNH2-related condition; KCNH2-related disorders.
Cardiovascular phenotype. Identifiers: MedGen CN230736.
Long QT syndrome (LQTS). Identifiers: MedGen C0023976, MeSH D008133, MONDO:0002442. Disease mechanism: loss of function. Inheritance: Various modes of inheritance.
Long QT syndrome 2 (LQT2). Identifiers: Orphanet 101016, Orphanet 768, MedGen C3150943, MONDO:0013367, OMIM 613688.

Submissions (5):

GeneDx
Classification: Likely pathogenic. Last evaluated: 2026-02-06. Review status: criteria provided, single submitter. Criteria: GeneDx Variant Classification Process June 2021. Collection method: clinical testing. Allele origin: germline. Affected: yes.
Comment: Not observed at significant frequency in large population cohorts (gnomAD); In-frame deletion of 1 amino acids in a non-repeat region; In silico analysis supports a deleterious effect on protein structure/function; This variant is associated with the following publications: (PMID: 19716085, 10973849, 26831020, 18441445, 26823142, 36861347)

Labcorp Genetics (formerly Invitae), Labcorp
Classification: Likely pathogenic for Long QT syndrome. Last evaluated: 2022-07-25. Review status: criteria provided, single submitter. Criteria: Invitae Variant Classification Sherloc (09022015). Collection method: clinical testing. Allele origin: germline.
Comment: In summary, the currently available evidence indicates that the variant is pathogenic, but additional data are needed to prove that conclusively. Therefore, this variant has been classified as Likely Pathogenic. Experimental studies have shown that this variant affects KCNH2 function (PMID: 25417810). Algorithms developed to predict the effect of variants on protein structure and function are not available or were not evaluated for this variant. ClinVar contains an entry for this variant (Variation ID: 200646). This variant has been observed in individuals with long QT syndrome (PMID: 10973849, 26831020; Invitae). It has also been observed to segregate with disease in related individuals. This variant is not present in population databases (gnomAD no frequency). This variant, c.1913_1915del, results in the deletion of 1 amino acid(s) of the KCNH2 protein (p.Lys638del), but otherwise preserves the integrity of the reading frame.

Blueprint Genetics
Classification: Pathogenic for KCNH2-related disorders. Last evaluated: 2022-07-18. Review status: criteria provided, single submitter. Criteria: ACMG Guidelines, 2015. Collection method: clinical testing. Allele origin: germline. Affected: yes. Observed: 3 variant alleles.

MVZ Martinsried, Medicover Genetics
Classification: Likely pathogenic for Long QT syndrome 2. Last evaluated: 2020-02-24. Review status: criteria provided, single submitter. Criteria: ACMG Guidelines, 2015. Collection method: clinical testing. Allele origin: unknown. Affected: yes.

Ambry Genetics
Classification: Likely pathogenic for Cardiovascular phenotype. Last evaluated: 2018-04-04. Review status: criteria provided, single submitter. Criteria: Ambry Variant Classification Scheme 2023. Collection method: clinical testing. Allele origin: germline.
Comment: The c.1913_1915delAGA variant (also known as p.K638del) is located in coding exon 7 of the KCNH2 gene. This variant results from an in-frame deletion of 3 nucleotides at positions 1913 to 1915. This results in the deletion of a highly conserved lysine at codon 638, which is located in the pore/S6 region of the protein. This alteration has been reported in multiple subjects referred for long QT syndrome (LQTS) genetic testing and has been shown to segregate with disease in one family (Splawski I et al. Circulation, 2000 Sep;102:1178-85; Nagaoka I et al. Circ. J., 2008 May;72:694-9; Kapplinger JD et al. Heart Rhythm, 2009 Sep;6:1297-303; Ozawa J et al. Circ. J., 2016 Jan;80:696-702; Ichikawa M et al. Intern. Med., 2016 Feb;55:259-62). In addition, this alteration is predicted to be deleterious by in silico analysis (Choi Y et al., PLoS ONE 2012; 7(10):e46688). Based on the majority of available evidence to date, this variant is likely to be pathogenic.

Literature cited by the submitters: PubMed 25417810 (cited by Labcorp Genetics (formerly Invitae), Labcorp); PubMed 10973849 (cited by Labcorp Genetics (formerly Invitae), Labcorp and Ambry Genetics); PubMed 26831020 (cited by Labcorp Genetics (formerly Invitae), Labcorp and Ambry Genetics); PubMed 18441445 (cited by Ambry Genetics); PubMed 19716085 (cited by Ambry Genetics); PubMed 26823142 (cited by Ambry Genetics).